The following is an entry in ClinVar:

NM_001903.5(CTNNA1):c.1674dup (p.Glu559fs)

Gene: CTNNA1 (catenin alpha 1; plus strand). Cytogenetic location: 5q31.2.
Variant type: Duplication.
Coding change: c.1674dup on transcript NM_001903.5 (MANE Select); coding-DNA position 1674, one base duplicated (A; older notation c.1674dupA).
Protein change: p.Glu559fs; shifts the reading frame from glutamic acid 559.
Molecular consequence: frameshift variant.
Genome position (GRCh38, 1-based): chr5:138,924,637, A duplicated. VCF-style (leftmost placement, unchanged base first): chr5-138924636-C-CA. GRCh37 (hg19) VCF-style: chr5-138260325-C-CA.
Other names: c.1674dupA (NM_001903.2); c.1674dup, p.Glu559fs (NM_001290307.3, NM_001323982.2, NM_001323983.1 and 2 more transcripts); c.1365dup, p.Glu456fs (NM_001290309.3); c.1305dup, p.Glu436fs (NM_001290310.3); c.564dup, p.Glu189fs (NM_001290312.1, NM_001323987.1, NM_001323988.1 and 17 more transcripts); c.1581dup, p.Glu528fs (NM_001323986.2); c.225dup, p.Glu76fs (NM_001324006.1, NM_001324007.1, NM_001324008.1 and 2 more transcripts); c.471dup, p.Glu158fs (NM_001324011.1); and 1 more; short protein forms E436fs, E559fs, E108fs, E189fs, E528fs, E76fs, E158fs, E456fs.
Identifiers: ClinVar variation 1479337 (VCV001479337.8), dbSNP rs2150289336, ClinGen allele CA2573139158.

ClinVar aggregate classification (germline): Pathogenic. Review status: criteria provided, multiple submitters, no conflicts (2 of 4 stars). 3 submissions from 3 submitters: Pathogenic (3). Last evaluated 2026-03-06.

Conditions:
Hereditary cancer-predisposing syndrome. Also called: Hereditary Cancer Syndrome; Hereditary neoplastic syndrome; Neoplastic Syndromes, Hereditary; Tumor predisposition. Identifiers: Orphanet 140162, MedGen C0027672, MeSH D009386, MONDO:0015356.
Hereditary diffuse gastric adenocarcinoma (HDGC). Also called: DIFFUSE GASTRIC AND LOBULAR BREAST CANCER SYNDROME. Identifiers: Orphanet 26106, MedGen C1708349, MONDO:0007648, OMIM 137215.

Submissions (3):

Ambry Genetics
Classification: Pathogenic for Hereditary cancer-predisposing syndrome. Last evaluated: 2026-03-06. Review status: criteria provided, single submitter. Criteria: Ambry Variant Classification Scheme 2023. Collection method: clinical testing. Allele origin: germline.
Comment: The c.1674dupA pathogenic mutation, located in coding exon 11 of the CTNNA1 gene, results from a duplication of A at nucleotide position 1674, causing a translational frameshift with a predicted alternate stop codon (p.E559Rfs*6). This variant is considered to be rare based on population cohorts in the Genome Aggregation Database (gnomAD). This alteration is expected to result in loss of function by premature protein truncation or nonsense-mediated mRNA decay. As such, this alteration is interpreted as a disease-causing mutation.

Myriad Genetics, Inc.
Classification: Pathogenic for Hereditary diffuse gastric adenocarcinoma. Last evaluated: 2026-01-08. Review status: criteria provided, single submitter. Criteria: Myriad Autosomal Dominant, Autosomal Recessive and X-Linked Classification Criteria (2023). Collection method: clinical testing. Allele origin: unknown.
Comment: This variant is considered pathogenic. This variant creates a frameshift predicted to result in premature protein truncation.

Labcorp Genetics (formerly Invitae), Labcorp
Classification: Pathogenic. Last evaluated: 2023-05-15. Review status: criteria provided, single submitter. Criteria: Invitae Variant Classification Sherloc (09022015). Collection method: clinical testing. Allele origin: germline.
Comment: This variant has not been reported in the literature in individuals affected with CTNNA1-related conditions. This variant is not present in population databases (gnomAD no frequency). This sequence change creates a premature translational stop signal (p.Glu559Argfs*6) in the CTNNA1 gene. It is expected to result in an absent or disrupted protein product. Loss-of-function variants in CTNNA1 are known to be pathogenic (PMID: 32051609, 34425242). ClinVar contains an entry for this variant (Variation ID: 1479337). For these reasons, this variant has been classified as Pathogenic. Experimental studies and prediction algorithms are not available or were not evaluated, and the functional significance of this variant is currently unknown.

Literature cited by the submitters: PubMed 32051609 (cited by Labcorp Genetics (formerly Invitae), Labcorp); PubMed 34425242 (cited by Labcorp Genetics (formerly Invitae), Labcorp).